The following is an entry in ClinVar:

NM_198880.3(QRICH1):c.461del (p.Pro154fs)

Gene: QRICH1 (glutamine rich 1; minus strand). Cytogenetic location: 3p21.31.
Variant type: Deletion.
Coding change: c.461del on transcript NM_198880.3 (MANE Select); coding-DNA position 461, one base deleted (C; older notation c.461delC).
Protein change: p.Pro154fs; shifts the reading frame from proline 154.
Molecular consequence: frameshift variant.
Genome position (GRCh38, 1-based): chr3:49,057,739, G deleted on the plus strand (C on the coding strand, the reverse complement: QRICH1 is on the minus strand); the first of 4 consecutive G bases (chr3:49,057,739-49,057,742); deleting any one gives the same sequence. VCF-style (leftmost placement, unchanged base first): chr3-49057738-CG-C. GRCh37 (hg19) VCF-style: chr3-49095171-CG-C.
Other names: c.461del, p.Pro154fs (NM_001320580.2, NM_001320581.2, NM_001320582.2 and 4 more transcripts); short protein forms P154fs.
Identifiers: ClinVar variation 5006641 (VCV005006641.2).

ClinVar aggregate classification (germline): Likely pathogenic (1 of 4 stars; one submission).

Conditions:
Ververi-Brady syndrome 1. Identifiers: Orphanet 580940, MedGen C6065891, MONDO:0060707, OMIM 617982.

Submission:

Juno Genomics, Hangzhou Juno Genomics, Inc
Classification: Likely pathogenic for Ververi-Brady syndrome 1. Review status: criteria provided, single submitter. Criteria: ACMG Guidelines, 2015. Collection method: clinical testing. Allele origin: germline.
Comment: Null variant in a gene where loss of function (LOF) is a known mechanism of disease.;Absent from controls (or at extremely low frequency if recessive) in Genome Aggregation Database.